The following is an entry in ClinVar:

ClinVar aggregate classification (germline): Uncertain significance. Review status: criteria provided, multiple submitters, no conflicts (2 of 4 stars). 4 submissions from 4 submitters: Uncertain significance (3). 1 of the submissions does not count toward it. Last evaluated 2026-01-26.

Conditions:
Hypertrophic cardiomyopathy 1 (CMH1). Also called: Familial hypertrophic cardiomyopathy 1; MYH7-Related Familial Hypertrophic Cardiomyopathy. Identifiers: MedGen C3495498, MONDO:0008647, OMIM 192600.
MYLK2-related disorder. Also called: MYLK2-related condition.

Allele frequency attached by ClinVar (database versions not stated): gnomAD 0.00003 and 0.00004; TOPMed 0.00004; gnomAD exomes 0.00005 and 0.00014; ExAC 0.00015.
gnomAD v4.1: 85 of 1,574,080 alleles (0.0054%); highest among the groups gnomAD compares: Admixed American, 0.043%; no homozygotes.

Submissions (4):

Labcorp Genetics (formerly Invitae), Labcorp
Classification: Uncertain significance for Hypertrophic cardiomyopathy 1. Last evaluated: 2026-01-26. Review status: criteria provided, single submitter. Criteria: Invitae Variant Classification Sherloc (09022015). Collection method: clinical testing. Allele origin: germline.
Comment: This sequence change replaces arginine, which is basic and polar, with cysteine, which is neutral and slightly polar, at codon 568 of the MYLK2 protein (p.Arg568Cys). This variant is present in population databases (rs772716379, gnomAD 0.09%), and has an allele count higher than expected for a pathogenic variant. This variant has not been reported in the literature in individuals affected with MYLK2-related conditions. ClinVar contains an entry for this variant (Variation ID: 406157). An algorithm developed to predict the effect of missense changes on protein structure and function (PolyPhen-2) suggests that this variant is likely to be disruptive. In summary, the available evidence is currently insufficient to determine the role of this variant in disease. Therefore, it has been classified as a Variant of Uncertain Significance.

GeneDx
Classification: Uncertain significance. Last evaluated: 2023-10-06. Review status: criteria provided, single submitter. Criteria: GeneDx Variant Classification Process June 2021. Collection method: clinical testing. Allele origin: germline. Affected: yes.
Comment: Has not been previously published as pathogenic or benign to our knowledge; In silico analysis supports that this missense variant has a deleterious effect on protein structure/function; In silico analysis supports a deleterious effect on splicing

Laboratorio de Genetica e Diagnostico Molecular, Hospital Israelita Albert Einstein
Classification: Uncertain significance. Last evaluated: 2020-01-27. Review status: criteria provided, single submitter. Criteria: ACMG Guidelines, 2015. Collection method: clinical testing. Allele origin: germline. Affected: yes.
Comment: ACMG classification criteria: PM2

PreventionGenetics, part of Exact Sciences
Classification: Likely benign for MYLK2-related condition. Last evaluated: 2024-06-06. Review status: no assertion criteria provided. Collection method: clinical testing. Allele origin: germline. Not counted in ClinVar's aggregate classification.
Comment: This variant is classified as likely benign based on ACMG/AMP sequence variant interpretation guidelines (Richards et al. 2015 PMID: 25741868, with internal and published modifications).

NM_033118.4(MYLK2):c.1702C>T (p.Arg568Cys)

Gene: MYLK2 (myosin light chain kinase 2; plus strand). Cytogenetic location: 20q11.21.
Variant type: single nucleotide variant.
Coding change: c.1702C>T on transcript NM_033118.4 (MANE Select); coding-DNA position 1702, C replaced by T.
Protein change: p.Arg568Cys; replaces arginine 568 with cysteine.
Molecular consequence: missense variant.
Genome position (GRCh38, 1-based): chr20:31,832,128, C>T. VCF-style: chr20-31832128-C-T. GRCh37 (hg19) VCF-style: chr20-30419931-C-T.
Other names: short protein forms R568C.
Identifiers: ClinVar variation 406157 (VCV000406157.26), dbSNP rs772716379, ClinGen allele CA9803296.